The following is an entry in ClinVar:

ClinVar aggregate classification (germline): Pathogenic (1 of 4 stars; one submission).

Conditions:
Fanconi anemia (FA). Also called: Fanconi's anemia. Identifiers: Orphanet 84, MedGen C0015625, MeSH D005199, MONDO:0019391.

Submission:

Labcorp Genetics (formerly Invitae), Labcorp
Classification: Pathogenic for Fanconi anemia. Last evaluated: 2021-06-30. Review status: criteria provided, single submitter. Criteria: Invitae Variant Classification Sherloc (09022015). Collection method: clinical testing. Allele origin: germline.
Comment: A similar copy number variant has been observed in individual(s) with Fanconi anemia (PMID: 15523645). For these reasons, this variant has been classified as Pathogenic. This variant is a gross deletion of the genomic region encompassing exon(s) 12-26 of the FANCA gene. This deletion is out-of-frame, and is expected to create a premature translational stop signal and result in an absent or disrupted protein product. Loss-of-function variants in FANCA are known to be pathogenic (PMID: 19367192).

Literature cited by the submitters: PubMed 15523645; PubMed 19367192.

NC_000016.9:g.(?_89836111)_(89858965_?)del

Gene: FANCA (FA complementation group A; minus strand). Cytogenetic location: 16q24.3.
Variant type: Deletion.
Identifiers: ClinVar variation 1459588 (VCV001459588.4).